The following is an entry in ClinVar:

ClinVar aggregate classification (germline): Uncertain significance (1 of 4 stars; one submission).

Conditions:
Neuroblastoma, susceptibility to, 3. Also called: ALK-Related Neuroblastic Tumor Susceptibility. Identifiers: Orphanet 635, MedGen C2751681, MONDO:0013083, OMIM 613014.

Allele frequency attached by ClinVar (database versions not stated): gnomAD exomes below 0.00001 and 0.00001.
gnomAD v4.1: 2 of 1,614,204 alleles (0.00012%); highest among the groups gnomAD compares: Admixed American, 0.0033%; no homozygotes.

Submission:

Labcorp Genetics (formerly Invitae), Labcorp
Classification: Uncertain significance for Neuroblastoma, susceptibility to, 3. Last evaluated: 2024-10-19. Review status: criteria provided, single submitter. Criteria: Invitae Variant Classification Sherloc (09022015). Collection method: clinical testing. Allele origin: germline.
Comment: This sequence change replaces serine, which is neutral and polar, with leucine, which is neutral and non-polar, at codon 1487 of the ALK protein (p.Ser1487Leu). This variant is present in population databases (no rsID available, gnomAD 0.003%). This variant has not been reported in the literature in individuals affected with ALK-related conditions. ClinVar contains an entry for this variant (Variation ID: 1061185). An algorithm developed to predict the effect of missense changes on protein structure and function (PolyPhen-2) suggests that this variant is likely to be tolerated. In summary, the available evidence is currently insufficient to determine the role of this variant in disease. Therefore, it has been classified as a Variant of Uncertain Significance.

NM_004304.5(ALK):c.4460C>T (p.Ser1487Leu)

Gene: ALK (ALK receptor tyrosine kinase; minus strand). Cytogenetic location: 2p23.2.
Variant type: single nucleotide variant.
Coding change: c.4460C>T on transcript NM_004304.5 (MANE Select); coding-DNA position 4460, C replaced by T.
Protein change: p.Ser1487Leu; replaces serine 1487 with leucine.
Molecular consequence: missense variant.
Genome position (GRCh38, 1-based): chr2:29,193,627, G>A on the plus strand (C>T on the coding strand, the complement: ALK is on the minus strand). VCF-style: chr2-29193627-G-A. GRCh37 (hg19) VCF-style: chr2-29416493-G-A.
Other names: c.1256C>T, p.Ser419Leu (NM_001353765.2); short protein forms S1487L, S419L.
Identifiers: ClinVar variation 1061185 (VCV001061185.9), dbSNP rs1182539285, ClinGen allele CA346462017.